The following is an entry in ClinVar:

NM_022765.4(MICAL1):c.185C>A (p.Ser62Ter)

Gene: MICAL1 (microtubule associated monooxygenase, calponin and LIM domain containing 1; minus strand). Cytogenetic location: 6q21.
Variant type: single nucleotide variant.
Coding change: c.185C>A on transcript NM_022765.4 (MANE Select); coding-DNA position 185, C replaced by A.
Protein change: p.Ser62Ter; replaces serine 62 with a stop codon.
Molecular consequence: nonsense.
Genome position (GRCh38, 1-based): chr6:109,454,012, G>T on the plus strand (C>A on the coding strand, the complement: MICAL1 is on the minus strand). VCF-style: chr6-109454012-G-T. GRCh37 (hg19) VCF-style: chr6-109775215-G-T.
Other names: c.185C>A, p.Ser62Ter (NM_001159291.2); c.242C>A, p.Ser81Ter (NM_001286613.2); short protein forms S81*, S62*.
Identifiers: ClinVar variation 2849093 (VCV002849093.3), dbSNP rs759680902, ClinGen allele CA365233809.

ClinVar aggregate classification (germline): Uncertain significance (1 of 4 stars; one submission).

Submission:

Labcorp Genetics (formerly Invitae), Labcorp
Classification: Uncertain significance. Last evaluated: 2023-03-27. Review status: criteria provided, single submitter. Criteria: Invitae Variant Classification Sherloc (09022015). Collection method: clinical testing. Allele origin: germline.
Comment: In summary, the available evidence is currently insufficient to determine the role of this variant in disease. Therefore, it has been classified as a Variant of Uncertain Significance. Experimental studies and prediction algorithms are not available or were not evaluated, and the functional significance of this variant is currently unknown. This variant has not been reported in the literature in individuals affected with MICAL1-related conditions. This variant is not present in population databases (gnomAD no frequency). This sequence change creates a premature translational stop signal (p.Ser81*) in the MICAL1 gene. It is expected to result in an absent or disrupted protein product. However, the current clinical and genetic evidence is not sufficient to establish whether loss-of-function variants in MICAL1 cause disease.